The following is an entry in ClinVar:

NM_001007228.2(SPOP):c.622G>T (p.Gly208Cys)

Gene: SPOP (speckle type BTB/POZ protein; minus strand). Cytogenetic location: 17q21.33.
Variant type: single nucleotide variant.
Coding change: c.622G>T on transcript NM_001007228.2 (MANE Select); coding-DNA position 622, G replaced by T.
Protein change: p.Gly208Cys; replaces glycine 208 with cysteine.
Molecular consequence: missense variant.
Genome position (GRCh38, 1-based): chr17:49,611,316, C>A on the plus strand (G>T on the coding strand, the complement: SPOP is on the minus strand). VCF-style: chr17-49611316-C-A. GRCh37 (hg19) VCF-style: chr17-47688678-C-A.
Other names: c.622G>T, p.Gly208Cys (NM_001007226.1, NM_001007227.1, NM_001007229.1 and 5 more transcripts); short protein forms G208C.
Identifiers: ClinVar variation 3773986 (VCV003773986.2).

ClinVar aggregate classification (germline): Likely pathogenic (1 of 4 stars; one submission).

Submission:

GeneDx
Classification: Likely pathogenic. Last evaluated: 2025-12-07. Review status: criteria provided, single submitter. Criteria: GeneDx Variant Classification Process June 2021. Collection method: clinical testing. Allele origin: germline.
Comment: Has not been previously published as pathogenic or benign to our knowledge; In silico analysis supports that this missense variant has a deleterious effect on protein structure/function; Not observed at significant frequency in large population cohorts (gnomAD)